The following is an entry in ClinVar:

ClinVar aggregate classification (germline): Likely pathogenic (1 of 4 stars; one submission).

Conditions:
Severe myoclonic epilepsy in infancy (DRVT). Also called: Dravet syndrome; Epileptic encephalopathy, early infantile, 6 (Dravet syndrome); Severe Myoclonic Epilepsy in Infancy (SMEI); SEVERE MYOCLONIC EPILEPSY OF INFANCY; DEVELOPMENTAL AND EPILEPTIC ENCEPHALOPATHY 6A. Identifiers: Orphanet 33069, MedGen C0751122, MONDO:0100135, OMIM 607208.

Submission:

Unidad de Genómica Garrahan, Hospital de Pediatría Garrahan
Classification: Likely pathogenic for Severe myoclonic epilepsy in infancy. Last evaluated: 2024-01-01. Review status: criteria provided, single submitter. Criteria: ACMG Guidelines, 2015. Collection method: clinical testing. Allele origin: germline. Affected: yes. Observed: 1 variant allele.
Comment: Heterozygous missense variant in SCN1A gene, predicted to change the exon 24 Gln 1427 to Lysine, affecting the DIII pore loop, a well established functional domain of the protein (PM1) with no reported missense benign variants (PP2). The variant has an extremely low frequency in gnomaD population databases (PM2), but there are reports of high certainty ClinVar pathogenic variants located in the same codon (chr2:1660002476)(PM5). Multiple computational prediction tools support a deleteroius effect on the gene (PP3mod).

NM_001165963.4(SCN1A):c.4279C>A (p.Gln1427Lys)

Genes: SCN1A (sodium voltage-gated channel alpha subunit 1; minus strand), LOC102724058 (uncharacterized LOC102724058; plus strand). Cytogenetic location: 2q24.3.
Variant type: single nucleotide variant.
Coding change: c.4279C>A on transcript NM_001165963.4 (MANE Select); coding-DNA position 4279, C replaced by A.
Protein change: p.Gln1427Lys; replaces glutamine 1427 with lysine.
Molecular consequence: missense variant. On other transcripts: non-coding transcript variant (1).
Genome position (GRCh38, 1-based): chr2:166,002,477, G>T on the plus strand (C>A on the coding strand, the complement: SCN1A is on the minus strand). VCF-style: chr2-166002477-G-T. GRCh37 (hg19) VCF-style: chr2-166858987-G-T.
Other names: c.4195C>A, p.Gln1399Lys (NM_001165964.3, NM_001353957.2, NM_001353958.2); c.4279C>A, p.Gln1427Lys (NM_001202435.3, NM_001353948.2); c.4246C>A, p.Gln1416Lys (NM_001353949.2, NM_001353950.2, NM_001353951.2 and 2 more transcripts); c.4243C>A, p.Gln1415Lys (NM_001353954.2, NM_001353955.2); c.4192C>A, p.Gln1398Lys (NM_001353960.2); c.1837C>A, p.Gln613Lys (NM_001353961.2); short protein forms Q1398K, Q1399K, Q1415K, Q1416K, Q1427K, Q613K.
Identifiers: ClinVar variation 3255525 (VCV003255525.1).